The following is an entry in ClinVar:

ClinVar aggregate classification (germline): Uncertain significance (1 of 4 stars; one submission).

Submission:

Labcorp Genetics (formerly Invitae), Labcorp
Classification: Uncertain significance. Last evaluated: 2021-08-15. Review status: criteria provided, single submitter. Criteria: Invitae Variant Classification Sherloc (09022015). Collection method: clinical testing. Allele origin: germline.
Comment: This sequence change replaces histidine with asparagine at codon 349 of the CDHR1 protein (p.His349Asn). The histidine residue is highly conserved and there is a small physicochemical difference between histidine and asparagine. This variant is not present in population databases (ExAC no frequency). This variant has not been reported in the literature in individuals affected with CDHR1-related conditions. Advanced modeling of protein sequence and biophysical properties (such as structural, functional, and spatial information, amino acid conservation, physicochemical variation, residue mobility, and thermodynamic stability) performed at Invitae indicates that this missense variant is not expected to disrupt CDHR1 protein function. In summary, the available evidence is currently insufficient to determine the role of this variant in disease. Therefore, it has been classified as a Variant of Uncertain Significance.

NM_033100.4(CDHR1):c.1045C>A (p.His349Asn)

Gene: CDHR1 (cadherin related family member 1; plus strand). Cytogenetic location: 10q23.1.
Variant type: single nucleotide variant.
Coding change: c.1045C>A on transcript NM_033100.4 (MANE Select); coding-DNA position 1045, C replaced by A.
Protein change: p.His349Asn; replaces histidine 349 with asparagine.
Molecular consequence: missense variant.
Genome position (GRCh38, 1-based): chr10:84,208,255, C>A. VCF-style: chr10-84208255-C-A. GRCh37 (hg19) VCF-style: chr10-85968011-C-A.
Other names: c.1045C>A, p.His349Asn (NM_001171971.3); short protein forms H349N.
Identifiers: ClinVar variation 1375114 (VCV001375114.6), dbSNP rs756121154, ClinGen allele CA377374551.